The following is an entry in ClinVar:

NM_005751.5(AKAP9):c.2454G>A (p.Trp818Ter)

Gene: AKAP9 (A-kinase anchoring protein 9; plus strand). Cytogenetic location: 7q21.2.
Variant type: single nucleotide variant.
Coding change: c.2454G>A on transcript NM_005751.5 (MANE Select); coding-DNA position 2454, G replaced by A.
Protein change: p.Trp818Ter; replaces tryptophan 818 with a stop codon.
Molecular consequence: nonsense.
Genome position (GRCh38, 1-based): chr7:92,002,371, G>A. VCF-style: chr7-92002371-G-A. GRCh37 (hg19) VCF-style: chr7-91631685-G-A.
Other names: c.2454G>A, p.Trp818Ter (NM_147185.3); short protein forms W818*.
Identifiers: ClinVar variation 2883244 (VCV002883244.3), dbSNP rs2484693693, ClinGen allele CA368124151.
Genomic context (GRCh38, chr7:92,002,371, plus strand): 5'-CCAAGAAGAAAGATTGATTTTCTTAGACTCCATTAAGTCCAAATCCAAAGACTCTGTGTG[G>A]GAAAAAGAAATAGAAATACTTATAGAGGAAAATGAGGACCTCAAACAACAATGTATTCAG-3'

ClinVar aggregate classification (germline): Uncertain significance (1 of 4 stars; one submission).

Conditions:
Long QT syndrome (LQTS). Identifiers: MedGen C0023976, MeSH D008133, MONDO:0002442. Disease mechanism: loss of function. Inheritance: Various modes of inheritance.

Allele frequency attached by ClinVar (database versions not stated): gnomAD exomes below 0.00001.
gnomAD v4.1: 2 of 1,611,438 alleles (0.00012%); highest among the groups gnomAD compares: Non-Finnish European, 0.00017%; no homozygotes.

Submission:

Labcorp Genetics (formerly Invitae), Labcorp
Classification: Uncertain significance for Long QT syndrome. Last evaluated: 2023-11-10. Review status: criteria provided, single submitter. Criteria: Invitae Variant Classification Sherloc (09022015). Collection method: clinical testing. Allele origin: germline.
Comment: This sequence change creates a premature translational stop signal (p.Trp818*) in the AKAP9 gene. It is expected to result in an absent or disrupted protein product. However, the current clinical and genetic evidence is not sufficient to establish whether loss-of-function variants in AKAP9 cause disease. This variant is not present in population databases (gnomAD no frequency). This variant has not been reported in the literature in individuals affected with AKAP9-related conditions. In summary, the available evidence is currently insufficient to determine the role of this variant in disease. Therefore, it has been classified as a Variant of Uncertain Significance.